The following is an entry in ClinVar:

ClinVar aggregate classification (germline): Uncertain significance (1 of 4 stars; one submission).

gnomAD v4.1: 2 of 1,269,306 alleles (0.00016%); highest among the groups gnomAD compares: Non-Finnish European, 0.0002%; no homozygotes.

Submission:

GeneDx
Classification: Uncertain significance. Last evaluated: 2021-02-19. Review status: criteria provided, single submitter. Criteria: GeneDx Variant Classification Process June 2021. Collection method: clinical testing. Allele origin: germline. Affected: yes.
Comment: Not observed in large population cohorts (Lek et al., 2016); In silico analysis, which includes protein predictors and evolutionary conservation, supports that this variant does not alter protein structure/function; Has not been previously published as pathogenic or benign to our knowledge

NM_001130144.3(LTBP3):c.59C>T (p.Ala20Val)

Gene: LTBP3 (latent transforming growth factor beta binding protein 3; minus strand). Cytogenetic location: 11q13.1.
Variant type: single nucleotide variant.
Coding change: c.59C>T on transcript NM_001130144.3 (MANE Select); coding-DNA position 59, C replaced by T.
Protein change: p.Ala20Val; replaces alanine 20 with valine.
Molecular consequence: missense variant. On other transcripts: 5 prime UTR variant (1).
Genome position (GRCh38, 1-based): chr11:65,557,901, G>A on the plus strand (C>T on the coding strand, the complement: LTBP3 is on the minus strand). VCF-style: chr11-65557901-G-A. GRCh37 (hg19) VCF-style: chr11-65325372-G-A.
Other names: c.-289C>T (NM_001164266.1); c.59C>T, p.Ala20Val (NM_021070.4); short protein forms A20V.
Identifiers: ClinVar variation 1309139 (VCV001309139.2), dbSNP rs2135168903, ClinGen allele CA381278717.